The following is an entry in ClinVar:

NM_001009944.3(PKD1):c.7066-131_7066-130delinsAG

Gene: PKD1 (polycystin 1, transient receptor potential channel interacting; minus strand). Cytogenetic location: 16p13.3.
Variant type: Indel.
Coding change: c.7066-131_7066-130delinsAG on transcript NM_001009944.3 (MANE Select); 131 bases into the intron before coding-DNA position 7066 through 130 bases into the intron before coding-DNA position 7066, GA replaced by AG.
Molecular consequence: intron variant.
Genome position (GRCh38, 1-based): chr16:2,107,078-2,107,079, TC replaced by CT on the plus strand (GA replaced by AG on the coding strand, the reverse complement: PKD1 is on the minus strand). VCF-style: chr16-2107078-TC-CT. GRCh37 (hg19) VCF-style: chr16-2157079-TC-CT.
Other names: c.7066-131_7066-130delinsAG (NM_000296.4).
Identifiers: ClinVar variation 4072221 (VCV004072221.1).

ClinVar aggregate classification (germline): Uncertain significance (1 of 4 stars; one submission).

Conditions:
Polycystic kidney disease, adult type (PKD1). Also called: Polycystic Kidney, Autosomal Dominant; Polycystic Kidney Disease 1, Autosomal Dominant; Polycystic kidney disease 1; Polycystic kidney disease 1, severe; POLYCYSTIC KIDNEY DISEASE 1 WITH OR WITHOUT POLYCYSTIC LIVER DISEASE; POLYCYSTIC KIDNEY DISEASE, ADULT, TYPE I. Identifiers: MedGen C3149841, MONDO:0008263, OMIM 173900.

Submission:

MVZ Medizinische Genetik Mainz
Classification: Uncertain significance for Polycystic kidney disease, adult type. Last evaluated: 2025-06-23. Review status: criteria provided, single submitter. Criteria: UK Practice Guidelines For Variant Classification V4 01 2020. Collection method: clinical testing. Allele origin: germline. Inheritance: Autosomal dominant inheritance. Affected: yes. Observed: 1 variant allele.
Comment: ACMG Criteria: PM2_SUP,PP3,PP4